The following is an entry in ClinVar:

ClinVar aggregate classification (germline): Uncertain significance (1 of 4 stars; one submission).

Allele frequency attached by ClinVar (database versions not stated): gnomAD 0.00001; gnomAD exomes 0.00001; TOPMed 0.00002.
gnomAD v4.1: 10 of 1,353,382 alleles (0.00074%); highest among the groups gnomAD compares: Middle Eastern, 0.027%; no homozygotes.

Submission:

Labcorp Genetics (formerly Invitae), Labcorp
Classification: Uncertain significance. Last evaluated: 2025-02-11. Review status: criteria provided, single submitter. Criteria: Invitae Variant Classification Sherloc (09022015). Collection method: clinical testing. Allele origin: germline.
Comment: This sequence change affects the initiator methionine of the GSN mRNA. The next in-frame methionine is located at codon 52. This variant is not present in population databases (gnomAD no frequency). This variant has not been reported in the literature in individuals affected with GSN-related conditions. ClinVar contains an entry for this variant (Variation ID: 2982669). In summary, the available evidence is currently insufficient to determine the role of this variant in disease. Therefore, it has been classified as a Variant of Uncertain Significance.

NM_198252.3(GSN):c.-9-2101A>G

Gene: GSN (gelsolin; plus strand). Cytogenetic location: 9q33.2.
Variant type: single nucleotide variant.
Coding change: c.-9-2101A>G on transcript NM_198252.3 (MANE Select); 2101 bases into the intron before 9 bases upstream of the start codon, A replaced by G.
Molecular consequence: intron variant. On other transcripts: missense variant (1), initiator codon variant (1).
Genome position (GRCh38, 1-based): chr9:121,299,862, A>G. VCF-style: chr9-121299862-A-G. GRCh37 (hg19) VCF-style: chr9-124062140-A-G.
Other names: c.1A>G, p.Met1Val (NM_000177.5); c.-9-2101A>G (NM_001353054.1, NM_001353053.1, NM_001353060.2 and 5 more transcripts); c.-47-194A>G (NM_001353064.2, NM_001353066.2, NM_001353072.2 and 7 more transcripts); c.-1-2109A>G (NM_001353058.2, NM_001353059.2, NM_001353056.2 and 1 more transcripts); c.-38-203A>G (NM_001353073.2, NM_001353065.2, NM_001353068.2 and 2 more transcripts); c.100-2101A>G (NM_001127663.2); c.-32-209A>G (NM_001353070.2); c.-48-2062A>G (NM_001353055.2); and 4 more; short protein forms M1V.
Identifiers: ClinVar variation 2982669 (VCV002982669.3), dbSNP rs1343918727, ClinGen allele CA374751180.